The following is an entry in ClinVar:

NM_001851.6(COL9A1):c.300-19_300-4del

Gene: COL9A1 (collagen type IX alpha 1 chain; minus strand). Cytogenetic location: 6q13.
Variant type: Deletion.
Coding change: c.300-19_300-4del on transcript NM_001851.6 (MANE Select); 19 bases into the intron before coding-DNA position 300 through 4 bases into the intron before coding-DNA position 300, 16 bases deleted (ATTTAAAAATTTTACT).
Molecular consequence: intron variant.
Genome position (GRCh38, 1-based): chr6:70,294,567-70,294,582, AGTAAAATTTTTAAAT deleted on the plus strand (ATTTAAAAATTTTACT on the coding strand, the reverse complement: COL9A1 is on the minus strand); deleting any 16 consecutive bases within chr6:70,294,567-70,294,588 gives the same sequence; the c. name uses the placement nearest the transcript's 3' end. VCF-style (leftmost placement, unchanged base first): chr6-70294566-GAGTAAAATTTTTAAAT-G. GRCh37 (hg19) VCF-style: chr6-71004269-GAGTAAAATTTTTAAAT-G.
Other names: c.300-19_300-4del (NM_001377291.1).
Identifiers: ClinVar variation 1019268 (VCV001019268.9), dbSNP rs1773783129, ClinGen allele CA1636679341.
Genomic context (GRCh38, chr6:70,294,566, plus strand): 5'-CATTCGAAACGTCGTCAAGAAGGAGTATTCTTCAGGCAGTCCACTGGGATATAAATTCCT[GAGTAAAATTTTTAAAT>G]AGTAAACATGCATCTTGTTTCCTGTACCCATATGTATTTACCACATTCCCTTTTGAGGCC-3'

ClinVar aggregate classification (germline): Uncertain significance (1 of 4 stars; one submission).

Submission:

Labcorp Genetics (formerly Invitae), Labcorp
Classification: Uncertain significance. Last evaluated: 2020-02-14. Review status: criteria provided, single submitter. Criteria: Invitae Variant Classification Sherloc (09022015). Collection method: clinical testing. Allele origin: germline.
Comment: This variant is not present in population databases (ExAC no frequency). In summary, the available evidence is currently insufficient to determine the role of this variant in disease. Therefore, it has been classified as a Variant of Uncertain Significance. Algorithms developed to predict the effect of sequence changes on RNA splicing suggest that this variant may disrupt the consensus splice site, but this prediction has not been confirmed by published transcriptional studies. This variant has not been reported in the literature in individuals with COL9A1-related conditions. This sequence change falls in intron 4 of the COL9A1 gene. It does not directly change the encoded amino acid sequence of the COL9A1 protein.